The following is an entry in ClinVar:

NM_001376.5(DYNC1H1):c.*194C>T

Genes: DYNC1H1 (dynein cytoplasmic 1 heavy chain 1; plus strand), LOC125078040 (Sharpr-MPRA regulatory region 9666; plus strand). Cytogenetic location: 14q32.31.
Variant type: single nucleotide variant.
Coding change: c.*194C>T on transcript NM_001376.5 (MANE Select); 194 bases downstream of the stop codon, C replaced by T.
Molecular consequence: 3 prime UTR variant.
Genome position (GRCh38, 1-based): chr14:102,050,757, C>T. VCF-style: chr14-102050757-C-T. GRCh37 (hg19) VCF-style: chr14-102517094-C-T.
Identifiers: ClinVar variation 312671 (VCV000312671.29), dbSNP rs566606862, ClinGen allele CA10634628.
Genomic context (GRCh38, chr14:102,050,757, plus strand): 5'-TGACGGTTGGGAGTGGTGGAAATTGGAAGGATACCAGGAGGTATTTGGGAAGGCCAATGG[C>T]GTGGCTCCTTTGAGGAAATAAAACACTAAGCATGAGCCGGCTCCGCCTCTTCTGTCTCCG-3'

ClinVar aggregate classification (germline): Conflicting classifications of pathogenicity. Review status: criteria provided, conflicting classifications (1 of 4 stars). 3 submissions from 2 submitters: Uncertain significance (1); Benign (1); Likely benign (1). Last evaluated 2022-04-01.

Conditions:
Charcot-Marie-Tooth disease axonal type 2O. Also called: Charcot-Marie-Tooth Neuropathy Type 2O; Charcot-Marie-Tooth disease, axonal, type 20; CHARCOT-MARIE-TOOTH NEUROPATHY, AXONAL, TYPE 2O; CHARCOT-MARIE-TOOTH DISEASE, AXONAL, AUTOSOMAL DOMINANT, TYPE 2O. Identifiers: Orphanet 284232, MedGen C3280220, MONDO:0013644, OMIM 614228.
Autosomal dominant cerebellar ataxia. Also called: Spinocerebellar Ataxia, Dominant. Identifiers: Orphanet 99, MedGen C4087347, MONDO:0020380.

Allele frequency attached by ClinVar (database versions not stated): gnomAD 0.00064; TOPMed 0.00073; 1000 Genomes Project 30x 0.00078; 1000 Genomes Project 0.00080.
gnomAD v4.1: 805 of 795,532 alleles (0.1%); highest among the groups gnomAD compares: Non-Finnish European, 0.14%; 4 homozygotes.

Submissions (3):

CeGaT Center for Human Genetics Tuebingen
Classification: Benign. Last evaluated: 2022-04-01. Review status: criteria provided, single submitter. Criteria: CeGaT Center For Human Genetics Tuebingen Variant Classification Criteria Version 2. Collection method: clinical testing. Allele origin: germline. Affected: yes. Observed: 1 variant allele.
Comment: DYNC1H1: BS1, BS2

Illumina Laboratory Services, Illumina
Classification: Likely benign for Spinocerebellar Ataxia, Dominant. Last evaluated: 2018-01-13. Review status: criteria provided, single submitter. Criteria: ICSL Variant Classification Criteria 13 December 2019. Collection method: clinical testing. Allele origin: germline.
Comment: This variant was observed in the ICSL laboratory as part of a predisposition screen in an ostensibly healthy population. It had not been previously curated by ICSL or reported in the Human Gene Mutation Database (HGMD: prior to June 1st, 2018), and was therefore a candidate for classification through an automated scoring system. Utilizing variant allele frequency, disease prevalence and penetrance estimates, and inheritance mode, an automated score was calculated to assess if this variant is too frequent to cause the disease. Based on the score and internal cut-off values, a variant classified as likely benign is not then subjected to further curation. The score for this variant resulted in a classification of likely benign for this disease.

Illumina Laboratory Services, Illumina
Classification: Uncertain significance for Charcot-Marie-Tooth disease axonal type 2O. Last evaluated: 2018-01-13. Review status: criteria provided, single submitter. Criteria: ICSL Variant Classification Criteria 13 December 2019. Collection method: clinical testing. Allele origin: germline.